The following is an entry in ClinVar:

ClinVar aggregate classification (germline): Uncertain significance. Review status: criteria provided, multiple submitters, no conflicts (2 of 4 stars). 6 submissions from 6 submitters: Uncertain significance (5). 1 of the submissions does not count toward it. Last evaluated 2026-05-27.

Conditions:
Inborn genetic diseases. Identifiers: MedGen C0950123, MeSH D030342.
LRP2-related disorder. Also called: LRP2-related condition.
Donnai-Barrow syndrome. Also called: FACIOOCULOACOUSTICORENAL SYNDROME; DBS/FOAR SYNDROME. Identifiers: Orphanet 2143, MedGen C1857277, MONDO:0009104, OMIM 222448.

Allele frequency attached by ClinVar (database versions not stated): gnomAD exomes 0.00001 and 0.00003; ExAC 0.00007; ESP Exome Variant Server 0.00008; TOPMed 0.00010; gnomAD 0.00012; 1000 Genomes Project 30x 0.00062; 1000 Genomes Project 0.00080.
gnomAD v4.1: 44 of 1,614,124 alleles (0.0027%); highest among the groups gnomAD compares: African/African-American, 0.047%; no homozygotes.

Submissions (6):

PreventionGenetics, part of Exact Sciences
Classification: Uncertain significance for LRP2-related condition. Last evaluated: 2026-05-27. Review status: criteria provided, single submitter. Criteria: ACMG Guidelines, 2015. Collection method: clinical testing. Allele origin: germline.
Comment: The LRP2 c.6511A>G variant is predicted to result in the amino acid substitution p.Ile2171Val. To our knowledge, this variant has not been reported in the literature. This variant is reported in 0.044% of alleles in individuals of African descent in gnomAD. At this time, the clinical significance of this variant is uncertain due to the absence of conclusive functional and genetic evidence.

Mayo Clinic Laboratories, Mayo Clinic
Classification: Uncertain significance. Last evaluated: 2025-10-28. Review status: criteria provided, single submitter. Criteria: ACMG Guidelines, 2015. Collection method: clinical testing. Allele origin: germline. Observed: 1 variant allele.
Comment: BP4

Ambry Genetics
Classification: Uncertain significance for Inborn genetic diseases. Last evaluated: 2025-07-14. Review status: criteria provided, single submitter. Criteria: Ambry Variant Classification Scheme 2023. Collection method: clinical testing. Allele origin: germline.

Labcorp Genetics (formerly Invitae), Labcorp
Classification: Uncertain significance. Last evaluated: 2022-08-17. Review status: criteria provided, single submitter. Criteria: Invitae Variant Classification Sherloc (09022015). Collection method: clinical testing. Allele origin: germline.
Comment: This sequence change replaces isoleucine, which is neutral and non-polar, with valine, which is neutral and non-polar, at codon 2171 of the LRP2 protein (p.Ile2171Val). This variant is present in population databases (rs148562167, gnomAD 0.05%). This variant has not been reported in the literature in individuals affected with LRP2-related conditions. ClinVar contains an entry for this variant (Variation ID: 332146). Advanced modeling of protein sequence and biophysical properties (such as structural, functional, and spatial information, amino acid conservation, physicochemical variation, residue mobility, and thermodynamic stability) performed at Invitae indicates that this missense variant is not expected to disrupt LRP2 protein function. Algorithms developed to predict the effect of sequence changes on RNA splicing suggest that this variant may create or strengthen a splice site. In summary, the available evidence is currently insufficient to determine the role of this variant in disease. Therefore, it has been classified as a Variant of Uncertain Significance.

Illumina Laboratory Services, Illumina
Classification: Uncertain significance for Donnai-Barrow syndrome. Last evaluated: 2018-01-13. Review status: criteria provided, single submitter. Criteria: ICSL Variant Classification Criteria 13 December 2019. Collection method: clinical testing. Allele origin: germline.

Department of Pathology and Laboratory Medicine, Sinai Health System
Classification: Uncertain significance. Review status: no assertion criteria provided. Collection method: clinical testing. Allele origin: unknown. Affected: yes. Study: The Canadian Open Genetics Repository (COGR). Not counted in ClinVar's aggregate classification.
Comment: The LRP2 p.Ile2171Val variant was not identified in the literature nor was it identified in LOVD 3.0. The variant was identified in dbSNP (ID: rs148562167) and ClinVar (classified as uncertain significance by Illumina). The variant was identified in control databases in 12 of 281520 chromosomes at a frequency of 0.00004263 (Genome Aggregation Database March 6, 2019, v2.1.1). The variant was observed in the following populations: African in 11 of 24920 chromosomes (freq: 0.000441) and European (non-Finnish) in 1 of 128102 chromosomes (freq: 0.000008), but was not observed in the Latino, Ashkenazi Jewish, East Asian, European (Finnish), Other, or South Asian populations. The p.Ile2171 residue is conserved in mammals but not in more distantly related organisms however four out of five computational analyses (PolyPhen-2, SIFT, AlignGVGD, BLOSUM, MutationTaster) do not suggest a high likelihood of impact to the protein; this information is not predictive enough to rule out pathogenicity. The variant occurs outside of the splicing consensus sequence and in silico or computational prediction software programs (SpliceSiteFinder, MaxEntScan, NNSPLICE, GeneSplicer) do not predict a difference in splicing. In summary, based on the above information the clinical significance of this variant cannot be determined with certainty at this time. This variant is classified as a variant of uncertain significance.

NM_004525.3(LRP2):c.6511A>G (p.Ile2171Val)

Gene: LRP2 (LDL receptor related protein 2; minus strand). Cytogenetic location: 2q31.1.
Variant type: single nucleotide variant.
Coding change: c.6511A>G on transcript NM_004525.3 (MANE Select); coding-DNA position 6511, A replaced by G.
Protein change: p.Ile2171Val; replaces isoleucine 2171 with valine.
Molecular consequence: missense variant.
Genome position (GRCh38, 1-based): chr2:169,207,209, T>C on the plus strand (A>G on the coding strand, the complement: LRP2 is on the minus strand). VCF-style: chr2-169207209-T-C. GRCh37 (hg19) VCF-style: chr2-170063719-T-C.
Other names: p.Ile2171Val; short protein forms I2171V.
Identifiers: ClinVar variation 332146 (VCV000332146.13), dbSNP rs148562167, ClinGen allele CA1954261.